The following is an entry in ClinVar:

NM_004655.4(AXIN2):c.2322A>C (p.Glu774Asp)

Gene: AXIN2 (axin 2; minus strand). Cytogenetic location: 17q24.1.
Variant type: single nucleotide variant.
Coding change: c.2322A>C on transcript NM_004655.4 (MANE Select); coding-DNA position 2322, A replaced by C.
Protein change: p.Glu774Asp; replaces glutamic acid 774 with aspartic acid.
Molecular consequence: missense variant.
Genome position (GRCh38, 1-based): chr17:65,533,995, T>G on the plus strand (A>C on the coding strand, the complement: AXIN2 is on the minus strand). VCF-style: chr17-65533995-T-G. GRCh37 (hg19) VCF-style: chr17-63530113-T-G.
Other names: c.2127A>C, p.Glu709Asp (NM_001363813.1); short protein forms E709D, E774D.
Identifiers: ClinVar variation 1513403 (VCV001513403.8), dbSNP rs2144419256, ClinGen allele CA400675503.
Genomic context (GRCh38, chr17:65,533,995, plus strand): 5'-CTGCTCTTTAAAGTGGCCCAGGGTCAAGCTCTGAGCCTTCAGCATCCTCCGGTATGGAAT[T>G]TCTTCCCCACAGAAAAAGTAAGTGACAACCAACTCACTGGCCTGGAGCGCGTGGACACCT-3'
Protein context (NP_004646.3, residues 764-784): LVVTYFFCGE[Glu774Asp]IPYRRMLKAQ

ClinVar aggregate classification (germline): Uncertain significance (1 of 4 stars; one submission).

Conditions:
Oligodontia-cancer predisposition syndrome. Also called: TOOTH AGENESIS-COLORECTAL CANCER SYNDROME. Identifiers: Orphanet 300576, MedGen C1837750, MONDO:0012075, OMIM 608615. Disease mechanism: loss of function.

Submission:

Labcorp Genetics (formerly Invitae), Labcorp
Classification: Uncertain significance for Oligodontia-cancer predisposition syndrome. Last evaluated: 2022-07-26. Review status: criteria provided, single submitter. Criteria: Invitae Variant Classification Sherloc (09022015). Collection method: clinical testing. Allele origin: germline.
Comment: In summary, the available evidence is currently insufficient to determine the role of this variant in disease. Therefore, it has been classified as a Variant of Uncertain Significance. Algorithms developed to predict the effect of missense changes on protein structure and function are either unavailable or do not agree on the potential impact of this missense change (SIFT: "Tolerated"; PolyPhen-2: "Possibly Damaging"; Align-GVGD: "Class C0"). ClinVar contains an entry for this variant (Variation ID: 1513403). This variant has not been reported in the literature in individuals affected with AXIN2-related conditions. This variant is not present in population databases (gnomAD no frequency). This sequence change replaces glutamic acid, which is acidic and polar, with aspartic acid, which is acidic and polar, at codon 774 of the AXIN2 protein (p.Glu774Asp).